The following is an entry in ClinVar:

NM_001364171.2(ODAD1):c.1932C>G (p.Ser644Arg)

Gene: ODAD1 (outer dynein arm docking complex subunit 1; minus strand). Cytogenetic location: 19q13.33.
Variant type: single nucleotide variant.
Coding change: c.1932C>G on transcript NM_001364171.2 (MANE Select); coding-DNA position 1932, C replaced by G.
Protein change: p.Ser644Arg; replaces serine 644 with arginine.
Molecular consequence: missense variant.
Genome position (GRCh38, 1-based): chr19:48,297,168, G>C on the plus strand (C>G on the coding strand, the complement: ODAD1 is on the minus strand). VCF-style: chr19-48297168-G-C. GRCh37 (hg19) VCF-style: chr19-48800425-G-C.
Other names: c.1821C>G, p.Ser607Arg (NM_144577.4); c.1821C>G (NM_144577.3); short protein forms S607R, S644R.
Identifiers: ClinVar variation 1682855 (VCV001682855.9), dbSNP rs773108289, ClinGen allele CA9548523.
Genomic context (GRCh38, chr19:48,297,168, plus strand): 5'-ACCCTCTGTGTTTTCTCCGCCCCTGCTGGACCCCACGTATCCAGTGGAGCCCAGGTAGCT[G>C]CTGGCGCTGACGGGTCTGAAGGTCACGTGGCCCCCACTCGAGGCACTGGTGGAGCCGAAG-3'
Protein context (NP_001351100.1, residues 634-654): GHVTFRPVSA[Ser644Arg]SYLGSTGYVG

ClinVar aggregate classification (germline): Uncertain significance. Review status: criteria provided, multiple submitters, no conflicts (2 of 4 stars). 2 submissions from 2 submitters: Uncertain significance (2). Last evaluated 2023-10-23.

Conditions:
Primary ciliary dyskinesia. Also called: Ciliary dyskinesia. Identifiers: Orphanet 244, MedGen C0008780, MONDO:0016575, HP:0012265.

Allele frequency attached by ClinVar (database versions not stated): gnomAD exomes below 0.00001 and 0.00001; ExAC 0.00001; gnomAD 0.00001; TOPMed 0.00001.
gnomAD v4.1: 3 of 1,614,050 alleles (0.00019%); highest among the groups gnomAD compares: Admixed American, 0.0033%; no homozygotes.

Submissions (2):

Ambry Genetics
Classification: Uncertain significance for Primary ciliary dyskinesia. Last evaluated: 2023-10-23. Review status: criteria provided, single submitter. Criteria: Ambry Variant Classification Scheme 2023. Collection method: clinical testing. Allele origin: germline.
Comment: The p.S607R variant (also known as c.1821C>G), located in coding exon 13 of the CCDC114 gene, results from a C to G substitution at nucleotide position 1821. The serine at codon 607 is replaced by arginine, an amino acid with dissimilar properties. This amino acid position is conserved. In addition, this alteration is predicted to be tolerated by in silico analysis. Since supporting evidence is limited at this time, the clinical significance of this alteration remains unclear.

Labcorp Genetics (formerly Invitae), Labcorp
Classification: Uncertain significance for Primary ciliary dyskinesia. Last evaluated: 2022-07-05. Review status: criteria provided, single submitter. Criteria: Invitae Variant Classification Sherloc (09022015). Collection method: clinical testing. Allele origin: germline.
Comment: In summary, the available evidence is currently insufficient to determine the role of this variant in disease. Therefore, it has been classified as a Variant of Uncertain Significance. This sequence change replaces serine, which is neutral and polar, with arginine, which is basic and polar, at codon 607 of the CCDC114 protein (p.Ser607Arg). This variant is present in population databases (rs773108289, gnomAD 0.007%). This variant has not been reported in the literature in individuals affected with CCDC114-related conditions. ClinVar contains an entry for this variant (Variation ID: 1682855). Algorithms developed to predict the effect of missense changes on protein structure and function output the following: SIFT: "Deleterious"; PolyPhen-2: "Possibly Damaging"; Align-GVGD: "Class C0". The arginine amino acid residue is found in multiple mammalian species, which suggests that this missense change does not adversely affect protein function.